The following is an entry in ClinVar:

NM_000127.3(EXT1):c.1971del (p.Met657fs)

Gene: EXT1 (exostosin glycosyltransferase 1; minus strand). Cytogenetic location: 8q24.11.
Variant type: Deletion.
Coding change: c.1971del on transcript NM_000127.3 (MANE Select); coding-DNA position 1971, one base deleted (G; older notation c.1971delG).
Protein change: p.Met657fs; shifts the reading frame from methionine 657.
Molecular consequence: frameshift variant.
Genome position (GRCh38, 1-based): chr8:117,804,806, C deleted on the plus strand (G on the coding strand, the reverse complement: EXT1 is on the minus strand). VCF-style (leftmost placement, unchanged base first): chr8-117804805-TC-T. GRCh37 (hg19) VCF-style: chr8-118817044-TC-T.
Other names: short protein forms M657fs.
Identifiers: ClinVar variation 967700 (VCV000967700.7), dbSNP rs1823213767, ClinGen allele CA1139660714.

ClinVar aggregate classification (germline): Pathogenic (1 of 4 stars; one submission).

Conditions:
Multiple congenital exostosis (EXT). Also called: Hereditary multiple osteochondromas; MULTIPLE CARTILAGINOUS EXOSTOSES; Multiple exostoses; Hereditary multiple exostoses; Hereditary multiple exostosis; Multiple osteochondromas. Identifiers: Orphanet 321, MedGen C0015306, MONDO:0005508, HP:0002762.

Submission:

Labcorp Genetics (formerly Invitae), Labcorp
Classification: Pathogenic for Multiple congenital exostosis. Last evaluated: 2019-10-30. Review status: criteria provided, single submitter. Criteria: Invitae Variant Classification Sherloc (09022015). Collection method: clinical testing. Allele origin: germline.
Comment: For these reasons, this variant has been classified as Pathogenic. This variant has not been reported in the literature in individuals with EXT1-related conditions. This variant is not present in population databases (ExAC no frequency). Loss-of-function variants in EXT1 are known to be pathogenic (PMID: 10679937, 11391482, 19810120). This sequence change creates a premature translational stop signal (p.Met657Ilefs*8) in the EXT1 gene. It is expected to result in an absent or disrupted protein product.

Literature cited by the submitters: PubMed 10679937; PubMed 11391482; PubMed 19810120.